The following is an entry in ClinVar:

ClinVar aggregate classification (germline): Uncertain significance. Review status: criteria provided, multiple submitters, no conflicts (2 of 4 stars). 5 submissions from 5 submitters: Uncertain significance (5). Last evaluated 2025-07-31.

Conditions:
Hereditary cancer-predisposing syndrome. Also called: Tumor predisposition; Neoplastic Syndromes, Hereditary; Hereditary neoplastic syndrome; Hereditary Cancer Syndrome. Identifiers: Orphanet 140162, MedGen C0027672, MeSH D009386, MONDO:0015356.
Nijmegen breakage syndrome-like disorder (NBSLD). Also called: MICROCEPHALY AND SPONTANEOUS CHROMOSOME INSTABILITY WITHOUT IMMUNODEFICIENCY; NBS-LIKE DISORDER; RAD50 DEFICIENCY. Identifiers: Orphanet 240760, MedGen C2751318, MONDO:0013118, OMIM 613078.

Allele frequency attached by ClinVar (database versions not stated): gnomAD 0.00001; TOPMed 0.00001.
gnomAD v4.1: 89 of 1,614,094 alleles (0.0055%); highest among the groups gnomAD compares: Non-Finnish European, 0.007%; no homozygotes.

Submissions (5):

Labcorp Genetics (formerly Invitae), Labcorp
Classification: Uncertain significance for Hereditary cancer-predisposing syndrome. Last evaluated: 2025-07-31. Review status: criteria provided, single submitter. Criteria: Invitae Variant Classification Sherloc (09022015). Collection method: clinical testing. Allele origin: germline.
Comment: This sequence change replaces asparagine, which is neutral and polar, with serine, which is neutral and polar, at codon 1224 of the RAD50 protein (p.Asn1224Ser). This variant is present in population databases (rs756860186, gnomAD 0.01%). This variant has not been reported in the literature in individuals affected with RAD50-related conditions. ClinVar contains an entry for this variant (Variation ID: 185221). Invitae Evidence Modeling of protein sequence and biophysical properties (such as structural, functional, and spatial information, amino acid conservation, physicochemical variation, residue mobility, and thermodynamic stability) indicates that this missense variant is not expected to disrupt RAD50 protein function with a negative predictive value of 80%. RNA analysis performed to evaluate the impact of this missense change on mRNA splicing indicates it does not significantly alter splicing (internal data). In summary, the available evidence is currently insufficient to determine the role of this variant in disease. Therefore, it has been classified as a Variant of Uncertain Significance.

Quest Diagnostics Nichols Institute San Juan Capistrano
Classification: Uncertain significance. Last evaluated: 2025-03-25. Review status: criteria provided, single submitter. Criteria: Quest Diagnostics criteria. Collection method: clinical testing. Allele origin: unknown.
Comment: The RAD50 c.3671A>G (p.Asn1224Ser) variant has been reported in the published literature in a large breast cancer association study and seen in individuals with breast cancer as well as reportedly healthy individuals (PMID: 33471991 (2021), see also LOVD). The frequency of this variant in the general population (Genome Aggregation Database) is uninformative in the assessment of its pathogenicity. Analysis of this variant using bioinformatics tools for the prediction of the effect of amino acid changes on protein structure and function yielded predictions that this variant is damaging. Based on the available information, we are unable to determine the clinical significance of this variant.

Fulgent Genetics
Classification: Uncertain significance for Nijmegen breakage syndrome-like disorder. Last evaluated: 2024-04-23. Review status: criteria provided, single submitter. Criteria: ACMG Guidelines, 2015. Collection method: clinical testing. Allele origin: germline.

Blueprint Genetics
Classification: Uncertain significance. Last evaluated: 2023-11-06. Review status: criteria provided, single submitter. Criteria: ACMG Guidelines, 2015. Collection method: clinical testing. Allele origin: germline.

Ambry Genetics
Classification: Uncertain significance for Hereditary cancer-predisposing syndrome. Last evaluated: 2023-06-09. Review status: criteria provided, single submitter. Criteria: Ambry Variant Classification Scheme 2023. Collection method: clinical testing. Allele origin: germline.
Comment: The p.N1224S variant (also known as c.3671A>G), located in coding exon 24 of the RAD50 gene, results from an A to G substitution at nucleotide position 3671. The asparagine at codon 1224 is replaced by serine, an amino acid with highly similar properties. This variant was reported in 2/60,466 breast cancer cases and in 2/53,461 controls (Dorling et al. N Engl J Med. 2021 02;384:428-439). This amino acid position is highly conserved in available vertebrate species. In addition, this alteration is predicted to be tolerated by in silico analysis. Since supporting evidence is limited at this time, the clinical significance of this alteration remains unclear.

Literature cited by the submitters: PubMed 33471991 (cited by Quest Diagnostics Nichols Institute San Juan Capistrano and Ambry Genetics).

NM_005732.4(RAD50):c.3671A>G (p.Asn1224Ser)

Genes: RAD50 (RAD50 double strand break repair protein; plus strand), TH2-LCR (Th2 cytokine locus control region; plus strand), TH2LCRR (T helper type 2 locus control region associated RNA; minus strand). Cytogenetic location: 5q31.1.
Variant type: single nucleotide variant.
Coding change: c.3671A>G on transcript NM_005732.4 (MANE Select); coding-DNA position 3671, A replaced by G.
Protein change: p.Asn1224Ser; replaces asparagine 1224 with serine.
Molecular consequence: missense variant.
Genome position (GRCh38, 1-based): chr5:132,640,724, A>G. VCF-style: chr5-132640724-A-G. GRCh37 (hg19) VCF-style: chr5-131976416-A-G.
Other names: short protein forms N1224S.
Identifiers: ClinVar variation 185221 (VCV000185221.18), dbSNP rs756860186, ClinGen allele CA333874.